The following is an entry in ClinVar:

ClinVar aggregate classification (germline): Uncertain significance (1 of 4 stars; one submission).

Conditions:
Hereditary cancer-predisposing syndrome. Also called: Neoplastic Syndromes, Hereditary; Tumor predisposition; Hereditary neoplastic syndrome; Hereditary Cancer Syndrome. Identifiers: Orphanet 140162, MedGen C0027672, MeSH D009386, MONDO:0015356.

Submission:

Ambry Genetics
Classification: Uncertain significance for Hereditary cancer-predisposing syndrome. Last evaluated: 2024-02-27. Review status: criteria provided, single submitter. Criteria: Ambry Variant Classification Scheme 2023. Collection method: clinical testing. Allele origin: germline.
Comment: The p.S163G variant (also known as c.487A>G), located in coding exon 5 of the BRCA2 gene, results from an A to G substitution at nucleotide position 487. The serine at codon 163 is replaced by glycine, an amino acid with similar properties. This amino acid position is well conserved in available vertebrate species. In addition, this alteration is predicted to be tolerated by in silico analysis. Based on the available evidence, the clinical significance of this alteration remains unclear.

NM_000059.4(BRCA2):c.487A>G (p.Ser163Gly)

Gene: BRCA2 (BRCA2 DNA repair associated; plus strand). Cytogenetic location: 13q13.1.
Variant type: single nucleotide variant.
Coding change: c.487A>G on transcript NM_000059.4 (MANE Select); coding-DNA position 487, A replaced by G.
Protein change: p.Ser163Gly; replaces serine 163 with glycine.
Molecular consequence: missense variant. On other transcripts: non-coding transcript variant (1).
Genome position (GRCh38, 1-based): chr13:32,326,253, A>G. VCF-style: chr13-32326253-A-G. GRCh37 (hg19) VCF-style: chr13-32900390-A-G.
Other names: c.487A>G, p.Ser163Gly (NM_001406719.1, NM_001406720.1, NM_001406721.1); c.118A>G, p.Ser40Gly (NM_001406722.1); short protein forms S163G, S40G.
Identifiers: ClinVar variation 3227058 (VCV003227058.1), dbSNP rs767985386, ClinGen allele CA387757644.